The following is an entry in ClinVar:

NM_002878.4(RAD51D):c.56T>C (p.Leu19Pro)

Genes: RAD51L3-RFFL (RAD51L3-RFFL readthrough; minus strand), RAD51D (RAD51 paralog D; minus strand). Cytogenetic location: 17q12.
Variant type: single nucleotide variant.
Coding change: c.56T>C on transcript NM_002878.4 (MANE Select); coding-DNA position 56, T replaced by C.
Protein change: p.Leu19Pro; replaces leucine 19 with proline.
Molecular consequence: missense variant. On other transcripts: non-coding transcript variant (2).
Genome position (GRCh38, 1-based): chr17:35,119,558, A>G on the plus strand (T>C on the coding strand, the complement: RAD51D is on the minus strand). VCF-style: chr17-35119558-A-G. GRCh37 (hg19) VCF-style: chr17-33446577-A-G.
Other names: c.56T>C, p.Leu19Pro (NM_001142571.2, NM_133629.3); short protein forms L19P.
Identifiers: ClinVar variation 482186 (VCV000482186.25), dbSNP rs1044486334, ClinGen allele CA290007258.

ClinVar aggregate classification (germline): Uncertain significance. Review status: criteria provided, multiple submitters, no conflicts (2 of 4 stars). 8 submissions from 8 submitters: Uncertain significance (8). Last evaluated 2026-04-13.

Conditions:
Hereditary breast ovarian cancer syndrome. Also called: Hereditary breast and ovarian cancer; Hereditary breast and ovarian cancer syndrome (HBOC); Hereditary breast and/or ovarian cancer syndrome; BRCA1- and BRCA2-Associated Hereditary Breast and Ovarian Cancer; Breast and ovarian cancer; Hereditary breast and ovarian cancer syndrome. Identifiers: Orphanet 145, MedGen C0677776, MeSH D061325, MONDO:0003582. Disease mechanism: loss of function.
Breast-ovarian cancer, familial, susceptibility to, 4. Identifiers: Orphanet 145, MedGen C3280345, MONDO:0013669, OMIM 614291.
Hereditary cancer-predisposing syndrome. Also called: Neoplastic Syndromes, Hereditary; Tumor predisposition; Hereditary neoplastic syndrome; Hereditary Cancer Syndrome. Identifiers: Orphanet 140162, MedGen C0027672, MeSH D009386, MONDO:0015356.

Allele frequency attached by ClinVar (database versions not stated): gnomAD exomes below 0.00001; gnomAD 0.00001; TOPMed 0.00006.

Submissions (8):

Women's Health and Genetics/Laboratory Corporation of America, LabCorp
Classification: Uncertain significance. Last evaluated: 2026-04-13. Review status: criteria provided, single submitter. Criteria: LabCorp Variant Classification Summary - May 2015. Collection method: clinical testing. Allele origin: germline.
Comment: Variant summary: RAD51D c.56T>C (p.Leu19Pro) results in a non-conservative amino acid change in the encoded protein sequence. Algorithms developed to predict the effect of missense changes on protein structure and function are either unavailable or do not agree on the potential impact of this missense change. The variant allele was found at a frequency of 4e-06 in 247672 control chromosomes. The available data on variant occurrences in the general population are insufficient to allow any conclusion about variant significance. c.56T>C has been observed in individual(s) affected with breast and lung cancer, without strong evidence for causality (Duarte_2024, Boni_2021). These report(s) do not provide unequivocal conclusions about association of the variant with Hereditary Breast And Ovarian Cancer Syndrome. To our knowledge, no experimental evidence demonstrating an impact on protein function has been reported. The following publications have been ascertained in the context of this evaluation (PMID: 39126233, 34923718). ClinVar contains an entry for this variant (Variation ID: 482186). Based on the evidence outlined above, the variant was classified as uncertain significance.

Labcorp Genetics (formerly Invitae), Labcorp
Classification: Uncertain significance for Breast-ovarian cancer, familial, susceptibility to, 4. Last evaluated: 2025-10-25. Review status: criteria provided, single submitter. Criteria: Invitae Variant Classification Sherloc (09022015). Collection method: clinical testing. Allele origin: germline.
Comment: This sequence change replaces leucine, which is neutral and non-polar, with proline, which is neutral and non-polar, at codon 19 of the RAD51D protein (p.Leu19Pro). The frequency data for this variant in the population databases is considered unreliable, as metrics indicate poor data quality at this position in the gnomAD database. This missense change has been observed in individual(s) with breast cancer (PMID: 39126233). ClinVar contains an entry for this variant (Variation ID: 482186). An algorithm developed to predict the effect of missense changes on protein structure and function (PolyPhen-2) suggests that this variant is likely to be disruptive. In summary, the available evidence is currently insufficient to determine the role of this variant in disease. Therefore, it has been classified as a Variant of Uncertain Significance.

Dasa
Classification: Uncertain significance. Last evaluated: 2025-06-16. Review status: criteria provided, single submitter. Criteria: DASA Assertion Criteria. Collection method: clinical testing. Allele origin: germline.
Comment: NM_002878.4(RAD51D):c.56T>C (p.Leu19Pro) is a missense variant that results in the substitution of leucine with proline. This variant is rare in population databases. Computational prediction algorithms are consistent with a benign effect. The currently available literature and clinical evidence are not sufficient to establish a definitive association between this variant and the reported condition. Therefore, this variant is classified as a variant of uncertain significance.

Color Diagnostics, LLC DBA Color Health
Classification: Uncertain significance for Hereditary cancer-predisposing syndrome. Last evaluated: 2025-01-22. Review status: criteria provided, single submitter. Criteria: ACMG Guidelines, 2015. Collection method: clinical testing. Allele origin: germline.
Comment: This missense variant replaces leucine with proline at codon 19 of the RAD51D protein. Computational prediction suggests that this variant may not impact protein structure and function. To our knowledge, functional studies have not been reported for this variant. This variant has been reported in an individual affected with breast cancer (PMID: 39126233). This variant has been identified in 1/247672 chromosomes in the general population by the Genome Aggregation Database (gnomAD). The available evidence is insufficient to determine the role of this variant in disease conclusively. Therefore, this variant is classified as a Variant of Uncertain Significance.

Baylor Genetics
Classification: Uncertain significance for Breast-ovarian cancer, familial, susceptibility to, 4. Last evaluated: 2024-02-06. Review status: criteria provided, single submitter. Criteria: ACMG Guidelines, 2015. Collection method: clinical testing. Allele origin: unknown.

Ambry Genetics
Classification: Uncertain significance for Hereditary cancer-predisposing syndrome. Last evaluated: 2023-11-03. Review status: criteria provided, single submitter. Criteria: Ambry Variant Classification Scheme 2023. Collection method: clinical testing. Allele origin: germline.
Comment: The p.L19P variant (also known as c.56T>C), located in coding exon 1 of the RAD51D gene, results from a T to C substitution at nucleotide position 56. The leucine at codon 19 is replaced by proline, an amino acid with similar properties. This amino acid position is well conserved in available vertebrate species. In addition, the in silico prediction for this alteration is inconclusive. Since supporting evidence is limited at this time, the clinical significance of this alteration remains unclear.

Sema4
Classification: Uncertain significance for Hereditary cancer-predisposing syndrome. Last evaluated: 2022-02-15. Review status: criteria provided, single submitter. Criteria: Sema4 Curation Guidelines. Collection method: curation. Allele origin: germline.
Comment: The RAD51D c.56T>C (p.L19P) variant has been reported in heterozygosity in at least one individual with lung cancer (PMID: 34923718). It was observed in 1/34558 chromosomes of the Latino subpopulation in the large and broad cohorts of the Genome Aggregation Database (PMID: 32461654). The variant has been reported in ClinVar (Variation ID 482186). Functional studies have not been performed, and in silico predictions of the variant's effect on protein function are inconclusive. The evidence is insufficient to meet ACMG/AMP criteria for classifying the variant as benign or pathogenic. Thus, the clinical significance of this variant is currently uncertain.

Department of Pathology and Laboratory Medicine, Sinai Health System
Classification: Uncertain significance for Hereditary breast ovarian cancer syndrome. Last evaluated: 2021-12-17. Review status: criteria provided, single submitter. Criteria: ACMG Guidelines, 2015. Collection method: clinical testing. Allele origin: germline. Affected: yes.

Literature cited by the submitters: PubMed 34923718 (cited by Women's Health and Genetics/Laboratory Corporation of America, LabCorp and Sema4); PubMed 39126233 (cited by 3 submitters).